The following is an entry in ClinVar:

NM_032638.5(GATA2):c.1341C>G (p.Ser447Arg)

Gene: GATA2 (GATA binding protein 2; minus strand). Cytogenetic location: 3q21.3.
Variant type: single nucleotide variant.
Coding change: c.1341C>G on transcript NM_032638.5 (MANE Select); coding-DNA position 1341, C replaced by G.
Protein change: p.Ser447Arg; replaces serine 447 with arginine.
Molecular consequence: missense variant.
Genome position (GRCh38, 1-based): chr3:128,481,121, G>C on the plus strand (C>G on the coding strand, the complement: GATA2 is on the minus strand). VCF-style: chr3-128481121-G-C. GRCh37 (hg19) VCF-style: chr3-128199964-G-C.
Other names: c.1341C>G, p.Ser447Arg (NM_001145661.2); c.1299C>G, p.Ser433Arg (NM_001145662.1); short protein forms S433R, S447R.
Identifiers: ClinVar variation 2690920 (VCV002690920.1), dbSNP rs1338194519, ClinGen allele CA354412702.
Genomic context (GRCh38, chr3:128,481,121, plus strand): 5'-GAAGGAGAGGCTGGAGGAGGGGTGGATGGGCGTCGGAGTGGGCAGGATGTGTCCGGAGTG[G>C]CTGAAGGGCGGGAGGTGGCCCACAGGTGCCATGTGTCCAGCCAGGGCAGCTGCACTGAAG-3'
Protein context (NP_116027.2, residues 437-457): MAPVGHLPPF[Ser447Arg]HSGHILPTPT

ClinVar aggregate classification (germline): Likely pathogenic (1 of 4 stars; one submission).

Conditions:
Myelodysplastic syndrome (MDS). Also called: Myelodysplastic syndromes; Myelodysplastic syndrome, somatic; MYELODYSPLASTIC SYNDROME, SUSCEPTIBILITY TO. Identifiers: Orphanet 52688, MedGen C3463824, MeSH D009190, MONDO:0018881, OMIM 614286.

Submission:

Johns Hopkins Genomics, Johns Hopkins University
Classification: Likely pathogenic for Myelodysplastic syndrome. Last evaluated: 2023-08-11. Review status: criteria provided, single submitter. Criteria: ACMG Guidelines, 2015. Collection method: clinical testing. Allele origin: germline.
Comment: The GATA2 c.1341C>G variant has not been reported in the literature, to our knowledge. However two other nucleotide changes (c.1341C>A and c.1339A>C) resulting in the same amino acid change p.Ser447Arg have been reported in association with GATA2-related disease. Additionally, in vitro functional testing supports a deleterious role for GATA2 p.Ser447Arg, although additional studies replicating these findings are lacking at this time. GATA2 c.1341C>G is absent from a large population dataset, and has not been reported in ClinVar6. Of two bioinformatics tools queried, one predicts that the substitution would be damaging while the other predicts that it would be tolerated, but these algorithms have low specificity, especially for predicting gain of function or dominant negative variants. The serine residue at this position is evolutionarily conserved across most of the species assessed. We consider c.1341C>G; p.Ser447Arg in GATA2 to be likely pathogenic.

Literature cited by the submitters: PubMed 25619630; PubMed 26702063; PubMed 28259234; PubMed 31246134; PubMed 31256854; PubMed 34576178.